The following is an entry in ClinVar:

ClinVar aggregate classification (germline): Benign (0 of 4 stars; one submission).

Conditions:
SEMA3F-related disorder. Also called: SEMA3F-related condition.

Allele frequency attached by ClinVar (database versions not stated): gnomAD exomes 0.00105; ExAC 0.00302; gnomAD 0.00956; ESP Exome Variant Server 0.00969; TOPMed 0.01082; 1000 Genomes Project 0.01098; 1000 Genomes Project 30x 0.01124.
gnomAD v4.1: 3,098 of 1,613,788 alleles (0.19%); highest among the groups gnomAD compares: African/African-American, 3.1%; 42 homozygotes.

Submission:

PreventionGenetics, part of Exact Sciences
Classification: Benign for SEMA3F-related condition. Last evaluated: 2022-11-22. Review status: no assertion criteria provided. Collection method: clinical testing. Allele origin: germline.
Comment: This variant is classified as benign based on ACMG/AMP sequence variant interpretation guidelines (Richards et al. 2015 PMID: 25741868, with internal and published modifications).

NM_004186.5(SEMA3F):c.113-6C>T

Gene: SEMA3F (semaphorin 3F; plus strand). Cytogenetic location: 3p21.31.
Variant type: single nucleotide variant.
Coding change: c.113-6C>T on transcript NM_004186.5 (MANE Select); 6 bases into the intron before coding-DNA position 113, C replaced by T.
Molecular consequence: intron variant.
Genome position (GRCh38, 1-based): chr3:50,173,787, C>T. VCF-style: chr3-50173787-C-T. GRCh37 (hg19) VCF-style: chr3-50211220-C-T.
Other names: c.-92-6C>T (NM_001318798.2); c.113-6C>T (NM_001318800.2).
Identifiers: ClinVar variation 3038914 (VCV003038914.2), dbSNP rs112798318, ClinGen allele CA2411644.